The following is an entry in ClinVar:

ClinVar aggregate classification (germline): Uncertain significance (1 of 4 stars; one submission).

Submission:

Labcorp Genetics (formerly Invitae), Labcorp
Classification: Uncertain significance. Last evaluated: 2021-11-04. Review status: criteria provided, single submitter. Criteria: Invitae Variant Classification Sherloc (09022015). Collection method: clinical testing. Allele origin: germline.
Comment: Algorithms developed to predict the effect of missense changes on protein structure and function are either unavailable or do not agree on the potential impact of this missense change (SIFT: "Deleterious"; PolyPhen-2: "Benign"; Align-GVGD: "Class C25"). This variant has not been reported in the literature in individuals affected with GNB1-related conditions. This variant is not present in population databases (gnomAD no frequency). This sequence change replaces arginine, which is basic and polar, with leucine, which is neutral and non-polar, at codon 150 of the GNB1 protein (p.Arg150Leu). In summary, the available evidence is currently insufficient to determine the role of this variant in disease. Therefore, it has been classified as a Variant of Uncertain Significance.

NM_002074.5(GNB1):c.449G>T (p.Arg150Leu)

Gene: GNB1 (G protein subunit beta 1; minus strand). Cytogenetic location: 1p36.33.
Variant type: single nucleotide variant.
Coding change: c.449G>T on transcript NM_002074.5 (MANE Select); coding-DNA position 449, G replaced by T.
Protein change: p.Arg150Leu; replaces arginine 150 with leucine.
Molecular consequence: missense variant.
Genome position (GRCh38, 1-based): chr1:1,793,293, C>A on the plus strand (G>T on the coding strand, the complement: GNB1 is on the minus strand). VCF-style: chr1-1793293-C-A. GRCh37 (hg19) VCF-style: chr1-1724732-C-A.
Other names: c.149G>T, p.Arg50Leu (NM_001282538.2); c.449G>T, p.Arg150Leu (NM_001282539.2); short protein forms R150L, R50L.
Identifiers: ClinVar variation 1391295 (VCV001391295.6), dbSNP rs2100546595, ClinGen allele CA337908602.